The following is an entry in ClinVar:

NM_001252024.2(TRPM1):c.1434C>G (p.Asn478Lys)

Gene: TRPM1 (transient receptor potential cation channel subfamily M member 1; minus strand). Cytogenetic location: 15q13.3.
Variant type: single nucleotide variant.
Coding change: c.1434C>G on transcript NM_001252024.2 (MANE Select); coding-DNA position 1434, C replaced by G.
Protein change: p.Asn478Lys; replaces asparagine 478 with lysine.
Molecular consequence: missense variant.
Genome position (GRCh38, 1-based): chr15:31,050,412, G>C on the plus strand (C>G on the coding strand, the complement: TRPM1 is on the minus strand). VCF-style: chr15-31050412-G-C. GRCh37 (hg19) VCF-style: chr15-31342615-G-C.
Other names: c.1485C>G, p.Asn495Lys (NM_001252020.2); c.1368C>G, p.Asn456Lys (NM_002420.6); short protein forms N456K, N478K, N495K.
Identifiers: ClinVar variation 1714314 (VCV001714314.5), dbSNP rs2504150553, ClinGen allele CA391517335.

ClinVar aggregate classification (germline): Uncertain significance (1 of 4 stars; one submission).

Allele frequency attached by ClinVar (database versions not stated): gnomAD exomes below 0.00001.
gnomAD v4.1: 6 of 1,614,106 alleles (0.00037%); highest among the groups gnomAD compares: Non-Finnish European, 0.00025%; no homozygotes.

Submission:

Labcorp Genetics (formerly Invitae), Labcorp
Classification: Uncertain significance. Last evaluated: 2023-06-30. Review status: criteria provided, single submitter. Criteria: Invitae Variant Classification Sherloc (09022015). Collection method: clinical testing. Allele origin: germline.
Comment: This sequence change replaces asparagine, which is neutral and polar, with lysine, which is basic and polar, at codon 456 of the TRPM1 protein (p.Asn456Lys). This variant is not present in population databases (gnomAD no frequency). This variant has not been reported in the literature in individuals affected with TRPM1-related conditions. ClinVar contains an entry for this variant (Variation ID: 1714314). Advanced modeling of protein sequence and biophysical properties (such as structural, functional, and spatial information, amino acid conservation, physicochemical variation, residue mobility, and thermodynamic stability) has been performed at Invitae for this missense variant, however the output from this modeling did not meet the statistical confidence thresholds required to predict the impact of this variant on TRPM1 protein function. Algorithms developed to predict the effect of sequence changes on RNA splicing suggest that this variant may create or strengthen a splice site. In summary, the available evidence is currently insufficient to determine the role of this variant in disease. Therefore, it has been classified as a Variant of Uncertain Significance.